The following is an entry in ClinVar:

ClinVar aggregate classification (germline): Benign/Likely benign. Review status: criteria provided, multiple submitters, no conflicts (2 of 4 stars). 7 submissions from 7 submitters: Benign (5); Likely benign (1). 1 of the submissions does not count toward it. Last evaluated 2026-02-01.

Conditions:
ORC1-related disorder. Also called: ORC1-related condition.
Meier-Gorlin syndrome 1 (MGORS1). Also called: EAR, PATELLA, SHORT STATURE SYNDROME. Identifiers: Orphanet 2554, MedGen C4552001, MONDO:0009143, OMIM 224690.

Allele frequency attached by ClinVar (database versions not stated): gnomAD 0.00006 and 0.00061; TOPMed 0.00012; gnomAD exomes 0.00101 and 0.00204; ExAC 0.00236; 1000 Genomes Project 0.00419; 1000 Genomes Project 30x 0.00422.
gnomAD v4.1: 1,561 of 1,614,156 alleles (0.097%); highest among the groups gnomAD compares: South Asian, 1.6%; 27 homozygotes.

Submissions (7):

CeGaT Center for Human Genetics Tuebingen
Classification: Benign. Last evaluated: 2026-02-01. Review status: criteria provided, single submitter. Criteria: CeGaT Center For Human Genetics Tuebingen Variant Classification Criteria Version 2. Collection method: clinical testing. Allele origin: germline. Affected: yes. Observed: 1 variant allele.
Comment: ORC1: BS1, BS2

Labcorp Genetics (formerly Invitae), Labcorp
Classification: Benign. Last evaluated: 2025-11-03. Review status: criteria provided, single submitter. Criteria: Invitae Variant Classification Sherloc (09022015). Collection method: clinical testing. Allele origin: germline.

Fulgent Genetics
Classification: Likely benign for Meier-Gorlin syndrome 1. Last evaluated: 2021-11-16. Review status: criteria provided, single submitter. Criteria: ACMG Guidelines, 2015. Collection method: clinical testing. Allele origin: unknown.

Dubai Health Genomic Medicine Center, Dubai Health
Classification: Benign for Meier-Gorlin syndrome 1. Last evaluated: 2020-06-25. Review status: criteria provided, single submitter. Criteria: ACMG Guidelines, 2015. Collection method: clinical testing. Allele origin: germline. Affected: yes.

Illumina Laboratory Services, Illumina
Classification: Benign for Meier-Gorlin syndrome 1. Last evaluated: 2018-01-13. Review status: criteria provided, single submitter. Criteria: ICSL Variant Classification Criteria 13 December 2019. Collection method: clinical testing. Allele origin: germline.
Comment: This variant was observed in the ICSL laboratory as part of a predisposition screen in an ostensibly healthy population. It had not been previously curated by ICSL or reported in the Human Gene Mutation Database (HGMD: prior to June 1st, 2018), and was therefore a candidate for classification through an automated scoring system. Utilizing variant allele frequency, disease prevalence and penetrance estimates, and inheritance mode, an automated score was calculated to assess if this variant is too frequent to cause the disease. Based on the score and internal cut-off values, a variant classified as benign is not then subjected to further curation. The score for this variant resulted in a classification of benign for this disease.

Breakthrough Genomics
Classification: Benign. Review status: criteria provided, single submitter. Criteria: ACMG Guidelines, 2015. Collection method: not provided. Allele origin: germline. Inheritance: Autosomal recessive inheritance. Affected: yes.

PreventionGenetics, part of Exact Sciences
Classification: Likely benign for ORC1-related condition. Last evaluated: 2022-07-08. Review status: no assertion criteria provided. Collection method: clinical testing. Allele origin: germline. Not counted in ClinVar's aggregate classification.
Comment: This variant is classified as likely benign based on ACMG/AMP sequence variant interpretation guidelines (Richards et al. 2015 PMID: 25741868, with internal and published modifications).

NM_004153.4(ORC1):c.1745A>G (p.Gln582Arg)

Gene: ORC1 (origin recognition complex subunit 1; minus strand). Cytogenetic location: 1p32.3.
Variant type: single nucleotide variant.
Coding change: c.1745A>G on transcript NM_004153.4 (MANE Select); coding-DNA position 1745, A replaced by G.
Protein change: p.Gln582Arg; replaces glutamine 582 with arginine.
Molecular consequence: missense variant.
Genome position (GRCh38, 1-based): chr1:52,384,560, T>C on the plus strand (A>G on the coding strand, the complement: ORC1 is on the minus strand). VCF-style: chr1-52384560-T-C. GRCh37 (hg19) VCF-style: chr1-52850232-T-C.
Other names: c.1745A>G, p.Gln582Arg (NM_001190818.2); c.1730A>G, p.Gln577Arg (NM_001190819.2); short protein forms Q577R, Q582R.
Identifiers: ClinVar variation 723109 (VCV000723109.23), dbSNP rs547441862, ClinGen allele CA853229.